The following is an entry in ClinVar:

ClinVar aggregate classification (germline): Uncertain significance (1 of 4 stars; one submission).

Submission:

GeneDx
Classification: Uncertain significance. Last evaluated: 2020-10-09. Review status: criteria provided, single submitter. Criteria: GeneDx Variant Classification Process June 2021. Collection method: clinical testing. Allele origin: germline. Affected: yes.
Comment: Not observed in large population cohorts (Lek et al., 2016); Nonsense variant predicted to result in protein truncation as the last 345 amino acids are lost, although loss-of-function variants have not been reported downstream of this position in the protein; Has not been previously published as pathogenic or benign to our knowledge

NM_006086.4(TUBB3):c.318C>G (p.Tyr106Ter)

Gene: TUBB3 (tubulin beta 3 class III; plus strand). Cytogenetic location: 16q24.3.
Variant type: single nucleotide variant.
Coding change: c.318C>G on transcript NM_006086.4 (MANE Select); coding-DNA position 318, C replaced by G.
Protein change: p.Tyr106Ter; replaces tyrosine 106 with a stop codon.
Molecular consequence: nonsense.
Genome position (GRCh38, 1-based): chr16:89,934,769, C>G. VCF-style: chr16-89934769-C-G. GRCh37 (hg19) VCF-style: chr16-90001177-C-G.
Other names: c.102C>G, p.Tyr34Ter (NM_001197181.2); short protein forms Y106*, Y34*.
Identifiers: ClinVar variation 1307242 (VCV001307242.2), dbSNP rs1220586790, ClinGen allele CA397474199.